The following is an entry in ClinVar:

NM_020822.3(KCNT1):c.3606C>A (p.Asp1202Glu)

Gene: KCNT1 (potassium sodium-activated channel subfamily T member 1; plus strand). Cytogenetic location: 9q34.3.
Variant type: single nucleotide variant.
Coding change: c.3606C>A on transcript NM_020822.3 (MANE Select); coding-DNA position 3606, C replaced by A.
Protein change: p.Asp1202Glu; replaces aspartic acid 1202 with glutamic acid.
Molecular consequence: missense variant.
Genome position (GRCh38, 1-based): chr9:135,792,059, C>A. VCF-style: chr9-135792059-C-A. GRCh37 (hg19) VCF-style: chr9-138683905-C-A.
Other names: c.3534C>A, p.Asp1178Glu (NM_001272003.2); short protein forms D1202E, D1178E.
Identifiers: ClinVar variation 946733 (VCV000946733.10), dbSNP rs140628824, ClinGen allele CA375494256.

ClinVar aggregate classification (germline): Uncertain significance (1 of 4 stars; one submission).

Conditions:
Autosomal dominant nocturnal frontal lobe epilepsy 5. Also called: KCNT1-Related Epilepsy; CILIARY DYSKINESIA, PRIMARY, 28, WITHOUT SITUS INVERSUS; CILIARY DYSKINESIA, PRIMARY, 28, WITH SITUS INVERSUS; Epilepsy, nocturnal frontal lobe, 5. Identifiers: Orphanet 98784, MedGen C3554306, MONDO:0014002, OMIM 615005.
Developmental and epileptic encephalopathy, 14 (DEE14). Also called: Early infantile epileptic encephalopathy 14. Identifiers: Orphanet 293181, MedGen C3554195, MONDO:0013989, OMIM 614959.

gnomAD v4.1: 4 of 1,604,306 alleles (0.00025%); highest among the groups gnomAD compares: South Asian, 0.0011%; no homozygotes.

Submission:

Labcorp Genetics (formerly Invitae), Labcorp
Classification: Uncertain significance for Autosomal dominant nocturnal frontal lobe epilepsy 5; Developmental and epileptic encephalopathy, 14. Last evaluated: 2020-02-21. Review status: criteria provided, single submitter. Criteria: Invitae Variant Classification Sherloc (09022015). Collection method: clinical testing. Allele origin: germline.
Comment: This variant has not been reported in the literature in individuals with KCNT1-related conditions. This sequence change replaces aspartic acid with glutamic acid at codon 1202 of the KCNT1 protein (p.Asp1202Glu). The aspartic acid residue is moderately conserved and there is a small physicochemical difference between aspartic acid and glutamic acid. This variant is not present in population databases (ExAC no frequency). Algorithms developed to predict the effect of missense changes on protein structure and function are either unavailable or do not agree on the potential impact of this missense change (SIFT: "Tolerated"; PolyPhen-2: "Probably Damaging"; Align-GVGD: "Class C0"). In summary, the available evidence is currently insufficient to determine the role of this variant in disease. Therefore, it has been classified as a Variant of Uncertain Significance.